The following is an entry in ClinVar:

NM_020975.6(RET):c.699G>T (p.Gln233His)

Gene: RET (ret proto-oncogene; plus strand). Cytogenetic location: 10q11.21.
Variant type: single nucleotide variant.
Coding change: c.699G>T on transcript NM_020975.6 (MANE Select); coding-DNA position 699, G replaced by T.
Protein change: p.Gln233His; replaces glutamine 233 with histidine.
Molecular consequence: missense variant.
Genome position (GRCh38, 1-based): chr10:43,105,025, G>T. VCF-style: chr10-43105025-G-T. GRCh37 (hg19) VCF-style: chr10-43600473-G-T.
Other names: c.699G>T, p.Gln233His (NM_000323.2, NM_001406743.1, NM_001406744.1 and 8 more transcripts); c.-64G>T (NM_001355216.2); c.570G>T, p.Gln190His (NM_001406761.1, NM_001406762.1, NM_001406764.1 and 2 more transcripts); c.411G>T, p.Gln137His (NM_001406766.1, NM_001406767.1, NM_001406770.1); short protein forms Q233H, Q137H, Q190H.
Identifiers: ClinVar variation 1396794 (VCV001396794.9), dbSNP rs786203642, ClinGen allele CA376544603.

ClinVar aggregate classification (germline): Conflicting classifications of pathogenicity. Review status: criteria provided, conflicting classifications (1 of 4 stars). 2 submissions from 2 submitters: Uncertain significance (1); Likely benign (1). Last evaluated 2026-08-27.

Conditions:
Hereditary cancer-predisposing syndrome. Also called: Hereditary Cancer Syndrome; Neoplastic Syndromes, Hereditary; Hereditary neoplastic syndrome; Tumor predisposition. Identifiers: Orphanet 140162, MedGen C0027672, MeSH D009386, MONDO:0015356.
Multiple endocrine neoplasia, type 2 (MEN2). Identifiers: Orphanet 653, MedGen C4048306, MONDO:0019003. Disease mechanism: gain of function.

Submissions (2):

Ambry Genetics
Classification: Likely benign for Hereditary cancer-predisposing syndrome. Last evaluated: 2026-08-27. Review status: criteria provided, single submitter. Criteria: Ambry Variant Classification Scheme 2023. Collection method: clinical testing. Allele origin: germline.

Labcorp Genetics (formerly Invitae), Labcorp
Classification: Uncertain significance for Multiple endocrine neoplasia, type 2. Last evaluated: 2022-03-08. Review status: criteria provided, single submitter. Criteria: Invitae Variant Classification Sherloc (09022015). Collection method: clinical testing. Allele origin: germline.
Comment: In summary, the available evidence is currently insufficient to determine the role of this variant in disease. Therefore, it has been classified as a Variant of Uncertain Significance. Algorithms developed to predict the effect of missense changes on protein structure and function output the following: SIFT: "Deleterious"; PolyPhen-2: "Benign"; Align-GVGD: "Class C0". The histidine amino acid residue is found in multiple mammalian species, which suggests that this missense change does not adversely affect protein function. This variant has not been reported in the literature in individuals affected with RET-related conditions. This variant is not present in population databases (gnomAD no frequency). This sequence change replaces glutamine, which is neutral and polar, with histidine, which is basic and polar, at codon 233 of the RET protein (p.Gln233His).